The following is an entry in ClinVar:

NM_000540.3(RYR1):c.131_132del (p.Arg44fs)

Gene: RYR1 (ryanodine receptor 1; plus strand). Cytogenetic location: 19q13.2.
Variant type: Deletion.
Coding change: c.131_132del on transcript NM_000540.3 (MANE Select); coding-DNA positions 131 to 132, 2 bases deleted (GC; older notation c.131_132delGC).
Protein change: p.Arg44fs; shifts the reading frame from arginine 44.
Molecular consequence: frameshift variant.
Genome position (GRCh38, 1-based): chr19:38,440,830-38,440,831, GC deleted; deleting any 2 consecutive bases within chr19:38,440,829-38,440,831 gives the same sequence; the c. name uses the placement nearest the transcript's 3' end. VCF-style (leftmost placement, unchanged base first): chr19-38440828-CCG-C. GRCh37 (hg19) VCF-style: chr19-38931468-CCG-C.
Other names: c.131_132del, p.Arg44fs (NM_001042723.2); short protein forms R44fs.
Identifiers: ClinVar variation 4756923 (VCV004756923.1).

ClinVar aggregate classification (germline): Uncertain significance (1 of 4 stars; one submission).

Conditions:
Malignant hyperthermia, susceptibility to, 1 (MHS1). Also called: RYR1-Related Malignant Hyperthermia Susceptibility; Malignant hyperthermia suceptibility 1; Anesthesia related hyperthermia; Malignant hyperpyrexia; Fulminating hyperpyrexia; Pharmacogenic myopathy. Identifiers: Orphanet 423, MedGen C2930980, MONDO:0007783, OMIM 145600.

Submission:

Color Diagnostics, LLC DBA Color Health
Classification: Uncertain significance for Malignant hyperthermia, susceptibility to, 1. Last evaluated: 2025-06-24. Review status: criteria provided, single submitter. Criteria: ACMG Guidelines, 2015. Collection method: clinical testing. Allele origin: germline.
Comment: This variant deletes 2 nucleotides in exon 2 of the RYR1 gene, creating a frameshift and premature translation stop signal. This variant is expected to result in an absent or non-functional protein product. To our knowledge, this variant has not been reported in individuals affected with RYR1-related disorders in the literature. This variant has not been identified in the general population by the Genome Aggregation Database (gnomAD). Loss of RYR1 function due to truncation variants is not an established disease mechanism for autosomal dominant malignant hyperthermia, although it is associated with other phenotype(s). Therefore, this variant is classified as a Variant of Uncertain Significance for autosomal dominant malignant hyperthermia.